The following is an entry in ClinVar:

ClinVar aggregate classification (germline): Uncertain significance (1 of 4 stars; one submission).

Conditions:
Hereditary spastic paraplegia 48. Also called: SPASTIC PARAPLEGIA 48, AUTOSOMAL RECESSIVE; Spastic paraplegia 48. Identifiers: Orphanet 306511, MedGen C3150901, MONDO:0013342, OMIM 613647.

Allele frequency attached by ClinVar (database versions not stated): gnomAD exomes below 0.00001; TOPMed below 0.00001.

Submission:

Labcorp Genetics (formerly Invitae), Labcorp
Classification: Uncertain significance for Spastic paraplegia 48, autosomal recessive. Last evaluated: 2019-05-13. Review status: criteria provided, single submitter. Criteria: Invitae Variant Classification Sherloc (09022015). Collection method: clinical testing. Allele origin: germline.
Comment: This sequence change replaces serine with glycine at codon 736 of the AP5Z1 protein (p.Ser736Gly). The serine residue is moderately conserved and there is a small physicochemical difference between serine and glycine. This variant is not present in population databases (ExAC no frequency). This variant has not been reported in the literature in individuals with AP5Z1-related conditions. Algorithms developed to predict the effect of missense changes on protein structure and function output the following: SIFT: "Tolerated"; PolyPhen-2: "Benign"; Align-GVGD: "Class C0". The glycine amino acid residue is found in multiple mammalian species, suggesting that this missense change does not adversely affect protein function. These predictions have not been confirmed by published functional studies and their clinical significance is uncertain. In summary, the available evidence is currently insufficient to determine the role of this variant in disease. Therefore, it has been classified as a Variant of Uncertain Significance.

NM_014855.3(AP5Z1):c.2206A>G (p.Ser736Gly)

Gene: AP5Z1 (adaptor related protein complex 5 subunit zeta 1; plus strand). Cytogenetic location: 7p22.1.
Variant type: single nucleotide variant.
Coding change: c.2206A>G on transcript NM_014855.3 (MANE Select); coding-DNA position 2206, A replaced by G.
Protein change: p.Ser736Gly; replaces serine 736 with glycine.
Molecular consequence: missense variant. On other transcripts: non-coding transcript variant (1).
Genome position (GRCh38, 1-based): chr7:4,791,167, A>G. VCF-style: chr7-4791167-A-G. GRCh37 (hg19) VCF-style: chr7-4830798-A-G.
Other names: c.1738A>G, p.Ser580Gly (NM_001364858.1); short protein forms S736G, S580G.
Identifiers: ClinVar variation 933458 (VCV000933458.1), dbSNP rs1562415549, ClinGen allele CA366665532.